The following is an entry in ClinVar:

ClinVar aggregate classification (germline): Uncertain significance (1 of 4 stars; one submission).

Conditions:
Multiple endocrine neoplasia, type 2 (MEN2). Identifiers: Orphanet 653, MedGen C4048306, MONDO:0019003. Disease mechanism: gain of function.

Submission:

Labcorp Genetics (formerly Invitae), Labcorp
Classification: Uncertain significance for Multiple endocrine neoplasia, type 2. Last evaluated: 2022-08-23. Review status: criteria provided, single submitter. Criteria: Invitae Variant Classification Sherloc (09022015). Collection method: clinical testing. Allele origin: germline.
Comment: In summary, the available evidence is currently insufficient to determine the role of this variant in disease. Therefore, it has been classified as a Variant of Uncertain Significance. Algorithms developed to predict the effect of missense changes on protein structure and function (SIFT, PolyPhen-2, Align-GVGD) all suggest that this variant is likely to be tolerated. This variant has not been reported in the literature in individuals affected with RET-related conditions. This variant is not present in population databases (gnomAD no frequency). This sequence change replaces lysine, which is basic and polar, with asparagine, which is neutral and polar, at codon 161 of the RET protein (p.Lys161Asn).

NM_020975.6(RET):c.483G>T (p.Lys161Asn)

Gene: RET (ret proto-oncogene; plus strand). Cytogenetic location: 10q11.21.
Variant type: single nucleotide variant.
Coding change: c.483G>T on transcript NM_020975.6 (MANE Select); coding-DNA position 483, G replaced by T.
Protein change: p.Lys161Asn; replaces lysine 161 with asparagine.
Molecular consequence: missense variant.
Genome position (GRCh38, 1-based): chr10:43,102,487, G>T. VCF-style: chr10-43102487-G-T. GRCh37 (hg19) VCF-style: chr10-43597935-G-T.
Other names: c.483G>T, p.Lys161Asn (NM_000323.2, NM_001406743.1, NM_001406744.1 and 16 more transcripts); c.354G>T, p.Lys118Asn (NM_001406761.1, NM_001406762.1, NM_001406764.1 and 4 more transcripts); short protein forms K118N, K161N.
Identifiers: ClinVar variation 2413406 (VCV002413406.5), dbSNP rs2132681767, ClinGen allele CA376770928.